The following is an entry in ClinVar:

NM_024408.4(NOTCH2):c.1387G>C (p.Asp463His)

Gene: NOTCH2 (notch receptor 2; minus strand). Cytogenetic location: 1p12.
Variant type: single nucleotide variant.
Coding change: c.1387G>C on transcript NM_024408.4 (MANE Select); coding-DNA position 1387, G replaced by C.
Protein change: p.Asp463His; replaces aspartic acid 463 with histidine.
Molecular consequence: missense variant.
Genome position (GRCh38, 1-based): chr1:119,967,499, C>G on the plus strand (G>C on the coding strand, the complement: NOTCH2 is on the minus strand). VCF-style: chr1-119967499-C-G. GRCh37 (hg19) VCF-style: chr1-120510122-C-G.
Other names: c.1387G>C, p.Asp463His (NM_001200001.2); short protein forms D463H.
Identifiers: ClinVar variation 1716963 (VCV001716963.6), dbSNP rs1553199818, ClinGen allele CA341877822.
Genomic context (GRCh38, chr1:119,967,499, plus strand): 5'-TGCACAGACATGTGAAGCCTCCAATCTTATCCAGACAGGTAGCATCATTCTGGCAGGGGT[C>G]TGAATGGCACTCATTGATGTCCATCTCACAACGAGGTCCTGCATAACCCTTCAGACACTC-3'
Protein context (NP_077719.2, residues 453-473): CEMDINECHS[Asp463His]PCQNDATCLD

ClinVar aggregate classification (germline): Uncertain significance (1 of 4 stars; one submission).

Conditions:
Hajdu-Cheney syndrome (HJCYS). Also called: SERPENTINE FIBULA-POLYCYSTIC KIDNEY SYNDROME; Acroosteolysis dominant type; ACROOSTEOLYSIS WITH OSTEOPOROSIS AND CHANGES IN SKULL AND MANDIBLE. Identifiers: Orphanet 955, MedGen C0917715, MONDO:0007057, OMIM 102500.

Submission:

Labcorp Genetics (formerly Invitae), Labcorp
Classification: Uncertain significance for Hajdu-Cheney syndrome. Last evaluated: 2022-08-19. Review status: criteria provided, single submitter. Criteria: Invitae Variant Classification Sherloc (09022015). Collection method: clinical testing. Allele origin: germline.
Comment: Advanced modeling of protein sequence and biophysical properties (such as structural, functional, and spatial information, amino acid conservation, physicochemical variation, residue mobility, and thermodynamic stability) performed at Invitae indicates that this missense variant is not expected to disrupt NOTCH2 protein function. In summary, the available evidence is currently insufficient to determine the role of this variant in disease. Therefore, it has been classified as a Variant of Uncertain Significance. This variant has not been reported in the literature in individuals affected with NOTCH2-related conditions. This sequence change replaces aspartic acid, which is acidic and polar, with histidine, which is basic and polar, at codon 463 of the NOTCH2 protein (p.Asp463His). This variant is not present in population databases (gnomAD no frequency).